The following is an entry in ClinVar:

ClinVar aggregate classification (germline): Uncertain significance (1 of 4 stars; one submission).

Conditions:
Chédiak-Higashi syndrome (CHS). Also called: Chediak-Higashi Syndrome. Identifiers: Orphanet 167, MedGen C0007965, MONDO:0008963, OMIM 214500.

Allele frequency attached by ClinVar (database versions not stated): gnomAD exomes below 0.00001.
gnomAD v4.1: 1 of 1,613,710 alleles (0.000062%); highest among the groups gnomAD compares: Non-Finnish European, 0.000085%; no homozygotes.

Submission:

Labcorp Genetics (formerly Invitae), Labcorp
Classification: Uncertain significance for Chédiak-Higashi syndrome. Last evaluated: 2022-02-24. Review status: criteria provided, single submitter. Criteria: Invitae Variant Classification Sherloc (09022015). Collection method: clinical testing. Allele origin: germline.
Comment: In summary, the available evidence is currently insufficient to determine the role of this variant in disease. Therefore, it has been classified as a Variant of Uncertain Significance. Algorithms developed to predict the effect of missense changes on protein structure and function output the following: SIFT: "Tolerated"; PolyPhen-2: "Benign"; Align-GVGD: "Class C0". The valine amino acid residue is found in multiple mammalian species, which suggests that this missense change does not adversely affect protein function. This variant has not been reported in the literature in individuals affected with LYST-related conditions. This variant is not present in population databases (gnomAD no frequency). This sequence change replaces alanine, which is neutral and non-polar, with valine, which is neutral and non-polar, at codon 2584 of the LYST protein (p.Ala2584Val).

NM_000081.4(LYST):c.7751C>T (p.Ala2584Val)

Gene: LYST (lysosomal trafficking regulator; minus strand). Cytogenetic location: 1q42.3.
Variant type: single nucleotide variant.
Coding change: c.7751C>T on transcript NM_000081.4 (MANE Select); coding-DNA position 7751, C replaced by T.
Protein change: p.Ala2584Val; replaces alanine 2584 with valine.
Molecular consequence: missense variant.
Genome position (GRCh38, 1-based): chr1:235,751,239, G>A on the plus strand (C>T on the coding strand, the complement: LYST is on the minus strand). VCF-style: chr1-235751239-G-A. GRCh37 (hg19) VCF-style: chr1-235914539-G-A.
Other names: c.7751C>T, p.Ala2584Val (NM_001301365.1); short protein forms A2584V.
Identifiers: ClinVar variation 1901356 (VCV001901356.5), dbSNP rs779600037, ClinGen allele CA344929361.